The following is an entry in ClinVar:

ClinVar aggregate classification (germline): Uncertain significance (1 of 4 stars; one submission).

Conditions:
Cardiovascular phenotype. Identifiers: MedGen CN230736.

Submission:

Ambry Genetics
Classification: Uncertain significance for Cardiovascular phenotype. Last evaluated: 2021-12-29. Review status: criteria provided, single submitter. Criteria: Ambry Variant Classification Scheme 2023. Collection method: clinical testing. Allele origin: germline.
Comment: The p.P53A variant (also known as c.157C>G), located in coding exon 1 of the FOXE3 gene, results from a C to G substitution at nucleotide position 157. The proline at codon 53 is replaced by alanine, an amino acid with highly similar properties. This amino acid position is conserved. In addition, this alteration is predicted to be tolerated by in silico analysis. Since supporting evidence is limited at this time, the clinical significance of this alteration remains unclear.

NM_012186.3(FOXE3):c.157C>G (p.Pro53Ala)

Genes: FOXE3 (forkhead box E3; plus strand), LINC01389 (long intergenic non-protein coding RNA 1389; minus strand). Cytogenetic location: 1p33.
Variant type: single nucleotide variant.
Coding change: c.157C>G on transcript NM_012186.3 (MANE Select); coding-DNA position 157, C replaced by G.
Protein change: p.Pro53Ala; replaces proline 53 with alanine.
Molecular consequence: missense variant.
Genome position (GRCh38, 1-based): chr1:47,416,472, C>G. VCF-style: chr1-47416472-C-G. GRCh37 (hg19) VCF-style: chr1-47882144-C-G.
Other names: short protein forms P53A.
Identifiers: ClinVar variation 1775648 (VCV001775648.2), dbSNP rs2521316040, ClinGen allele CA340249148.